The following is an entry in ClinVar:

ClinVar aggregate classification (germline): Uncertain significance (1 of 4 stars; one submission).

Conditions:
Congenital disorder of deglycosylation (CDDG). Identifiers: MedGen C3808991, MONDO:0031376.

Allele frequency attached by ClinVar (database versions not stated): TOPMed 0.00001.

Submission:

Labcorp Genetics (formerly Invitae), Labcorp
Classification: Uncertain significance for Congenital disorder of deglycosylation. Last evaluated: 2022-07-23. Review status: criteria provided, single submitter. Criteria: Invitae Variant Classification Sherloc (09022015). Collection method: clinical testing. Allele origin: germline.
Comment: In summary, the available evidence is currently insufficient to determine the role of this variant in disease. Therefore, it has been classified as a Variant of Uncertain Significance. Algorithms developed to predict the effect of missense changes on protein structure and function (SIFT, PolyPhen-2, Align-GVGD) all suggest that this variant is likely to be tolerated. ClinVar contains an entry for this variant (Variation ID: 945005). This variant has not been reported in the literature in individuals affected with NGLY1-related conditions. This variant is not present in population databases (gnomAD no frequency). This sequence change replaces lysine, which is basic and polar, with arginine, which is basic and polar, at codon 488 of the NGLY1 protein (p.Lys488Arg).

NM_018297.4(NGLY1):c.1463A>G (p.Lys488Arg)

Gene: NGLY1 (N-glycanase 1; minus strand). Cytogenetic location: 3p24.2.
Variant type: single nucleotide variant.
Coding change: c.1463A>G on transcript NM_018297.4 (MANE Select); coding-DNA position 1463, A replaced by G.
Protein change: p.Lys488Arg; replaces lysine 488 with arginine.
Molecular consequence: missense variant.
Genome position (GRCh38, 1-based): chr3:25,729,281, T>C on the plus strand (A>G on the coding strand, the complement: NGLY1 is on the minus strand). VCF-style: chr3-25729281-T-C. GRCh37 (hg19) VCF-style: chr3-25770772-T-C.
Other names: c.1409A>G, p.Lys470Arg (NM_001145293.2); c.1337A>G, p.Lys446Arg (NM_001145294.2); c.1463A>G, p.Lys488Arg (NM_001145295.2); short protein forms K446R, K488R, K470R.
Identifiers: ClinVar variation 945005 (VCV000945005.6), dbSNP rs761374303, ClinGen allele CA351897071.